The following is an entry in ClinVar:

ClinVar aggregate classification (germline): Uncertain significance (1 of 4 stars; one submission).

Conditions:
Hereditary cancer-predisposing syndrome. Also called: Hereditary neoplastic syndrome; Neoplastic Syndromes, Hereditary; Tumor predisposition; Hereditary Cancer Syndrome. Identifiers: Orphanet 140162, MedGen C0027672, MeSH D009386, MONDO:0015356.

Submission:

Ambry Genetics
Classification: Uncertain significance for Hereditary cancer-predisposing syndrome. Last evaluated: 2025-02-15. Review status: criteria provided, single submitter. Criteria: Ambry Variant Classification Scheme 2023. Collection method: clinical testing. Allele origin: germline.
Comment: The p.K70E variant (also known as c.208A>G), located in coding exon 3 of the BRIP1 gene, results from an A to G substitution at nucleotide position 208. The lysine at codon 70 is replaced by glutamic acid, an amino acid with similar properties. This amino acid position is conserved. In addition, the in silico prediction for this alteration is inconclusive. Based on the available evidence, the clinical significance of this variant remains unclear.

NM_032043.3(BRIP1):c.208A>G (p.Lys70Glu)

Gene: BRIP1 (BRCA1 interacting DNA helicase 1; minus strand). Cytogenetic location: 17q23.2.
Variant type: single nucleotide variant.
Coding change: c.208A>G on transcript NM_032043.3 (MANE Select); coding-DNA position 208, A replaced by G.
Protein change: p.Lys70Glu; replaces lysine 70 with glutamic acid.
Molecular consequence: missense variant.
Genome position (GRCh38, 1-based): chr17:61,857,229, T>C on the plus strand (A>G on the coding strand, the complement: BRIP1 is on the minus strand). VCF-style: chr17-61857229-T-C. GRCh37 (hg19) VCF-style: chr17-59934590-T-C.
Other names: short protein forms K70E.
Identifiers: ClinVar variation 3825694 (VCV003825694.1).